The following is an entry in ClinVar:

NM_000218.3(KCNQ1):c.1393+24587A>G

Genes: KCNQ1 (potassium voltage-gated channel subfamily Q member 1; plus strand), KCNQ1OT1 (KCNQ1 opposite strand/antisense transcript 1; minus strand). Cytogenetic location: 11p15.5.
Variant type: single nucleotide variant.
Coding change: c.1393+24587A>G on transcript NM_000218.3 (MANE Select); 24587 bases into the intron after coding-DNA position 1393, A replaced by G.
Molecular consequence: intron variant. On other transcripts: non-coding transcript variant (1).
Genome position (GRCh38, 1-based): chr11:2,613,441, A>G. VCF-style: chr11-2613441-A-G. GRCh37 (hg19) VCF-style: chr11-2634671-A-G.
Other names: c.1123+24587A>G (NM_001406837.1); c.1297+24587A>G (NM_001406836.1); c.853+24587A>G (NM_001406838.1); c.1012+24587A>G (NM_181798.2).
Identifiers: ClinVar variation 3026383 (VCV003026383.22), dbSNP rs181346990, ClinGen allele CA216358221.

ClinVar aggregate classification (germline): Benign (1 of 4 stars; one submission).

Allele frequency attached by ClinVar (database versions not stated): gnomAD exomes 0.00037; 1000 Genomes Project 0.00140; 1000 Genomes Project 30x 0.00141; gnomAD 0.00308; TOPMed 0.00333.
gnomAD v4.1: 569 of 398,536 alleles (0.14%); highest among the groups gnomAD compares: African/African-American, 1%; 1 homozygote.

Submission:

CeGaT Center for Human Genetics Tuebingen
Classification: Benign. Last evaluated: 2026-06-01. Review status: criteria provided, single submitter. Criteria: CeGaT Center For Human Genetics Tuebingen Variant Classification Criteria Version 2. Collection method: clinical testing. Allele origin: germline. Affected: yes. Observed: 4 variant alleles.
Comment: KCNQ1OT1: BS1, BS2